The following is an entry in ClinVar:

NM_015512.5(DNAH1):c.9363+4C>T

Gene: DNAH1 (dynein axonemal heavy chain 1; plus strand). Cytogenetic location: 3p21.1.
Variant type: single nucleotide variant.
Coding change: c.9363+4C>T on transcript NM_015512.5 (MANE Select); 4 bases into the intron after coding-DNA position 9363, C replaced by T.
Molecular consequence: intron variant.
Genome position (GRCh38, 1-based): chr3:52,388,613, C>T. VCF-style: chr3-52388613-C-T. GRCh37 (hg19) VCF-style: chr3-52422629-C-T.
Identifiers: ClinVar variation 834936 (VCV000834936.8), dbSNP rs369421920, ClinGen allele CA2435457.

ClinVar aggregate classification (germline): Uncertain significance. Review status: criteria provided, multiple submitters, no conflicts (2 of 4 stars). 2 submissions from 2 submitters: Uncertain significance (2). Last evaluated 2025-10-30.

Conditions:
Spermatogenic failure 18. Identifiers: MedGen C4539783, MONDO:0054615, OMIM 617576.
Ciliary dyskinesia, primary, 37 (CILD37). Also called: CILIARY DYSKINESIA, PRIMARY, 37, WITH OR WITHOUT SITUS INVERSUS. Identifiers: MedGen C4539798, MONDO:0033204, OMIM 617577.

Allele frequency attached by ClinVar (database versions not stated): ESP Exome Variant Server 0.00008; gnomAD 0.00010; TOPMed 0.00014.
gnomAD v4.1: 314 of 1,611,776 alleles (0.019%); highest among the groups gnomAD compares: Non-Finnish European, 0.025%; no homozygotes.

Submissions (2):

Labcorp Genetics (formerly Invitae), Labcorp
Classification: Uncertain significance for Ciliary dyskinesia, primary, 37; Spermatogenic failure 18. Last evaluated: 2025-10-30. Review status: criteria provided, single submitter. Criteria: Invitae Variant Classification Sherloc (09022015). Collection method: clinical testing. Allele origin: germline.
Comment: This sequence change falls in intron 58 of the DNAH1 gene. It does not directly change the encoded amino acid sequence of the DNAH1 protein. It affects a nucleotide within the consensus splice site. This variant is present in population databases (rs369421920, gnomAD 0.02%). This variant has not been reported in the literature in individuals affected with DNAH1-related conditions. ClinVar contains an entry for this variant (Variation ID: 834936). Variants that disrupt the consensus splice site are a relatively common cause of aberrant splicing (PMID: 17576681, 9536098). Algorithms developed to predict the effect of sequence changes on RNA splicing suggest that this variant is not likely to affect RNA splicing. In summary, the available evidence is currently insufficient to determine the role of this variant in disease. Therefore, it has been classified as a Variant of Uncertain Significance.

Blueprint Genetics
Classification: Uncertain significance. Last evaluated: 2024-11-25. Review status: criteria provided, single submitter. Criteria: ACMG Guidelines, 2015. Collection method: clinical testing. Allele origin: germline.

Literature cited by the submitters: PubMed 17576681 (cited by Labcorp Genetics (formerly Invitae), Labcorp); PubMed 9536098 (cited by Labcorp Genetics (formerly Invitae), Labcorp).